The following is an entry in ClinVar:

ClinVar aggregate classification (germline): Uncertain significance (1 of 4 stars; one submission).

Submission:

GeneDx
Classification: Uncertain significance. Last evaluated: 2025-07-25. Review status: criteria provided, single submitter. Criteria: GeneDx Variant Classification Process June 2021. Collection method: clinical testing. Allele origin: germline. Affected: yes.
Comment: Not observed at significant frequency in large population cohorts (gnomAD); In silico analysis supports that this missense variant has a deleterious effect on protein structure/function; Has not been previously published as pathogenic or benign to our knowledge

NM_013275.6(ANKRD11):c.7693A>G (p.Asn2565Asp)

Gene: ANKRD11 (ankyrin repeat domain 11; minus strand). Cytogenetic location: 16q24.3.
Variant type: single nucleotide variant.
Coding change: c.7693A>G on transcript NM_013275.6 (MANE Select); coding-DNA position 7693, A replaced by G.
Protein change: p.Asn2565Asp; replaces asparagine 2565 with aspartic acid.
Molecular consequence: missense variant.
Genome position (GRCh38, 1-based): chr16:89,274,834, T>C on the plus strand (A>G on the coding strand, the complement: ANKRD11 is on the minus strand). VCF-style: chr16-89274834-T-C. GRCh37 (hg19) VCF-style: chr16-89341242-T-C.
Other names: c.7693A>G, p.Asn2565Asp (NM_001256182.2, NM_001256183.2); short protein forms N2565D.
Identifiers: ClinVar variation 4687092 (VCV004687092.1).